The following is an entry in ClinVar:

NM_002485.5(NBN):c.2191_2192del (p.Asn731fs)

Gene: NBN (nibrin; minus strand). Cytogenetic location: 8q21.3.
Variant type: Deletion.
Coding change: c.2191_2192del on transcript NM_002485.5 (MANE Select); coding-DNA positions 2191 to 2192, 2 bases deleted (AA; older notation c.2191_2192delAA).
Protein change: p.Asn731fs; shifts the reading frame from asparagine 731.
Molecular consequence: frameshift variant.
Genome position (GRCh38, 1-based): chr8:89,937,068-89,937,069, TT deleted on the plus strand (AA on the coding strand, the reverse complement: NBN is on the minus strand); deleting any 2 consecutive bases within chr8:89,937,068-89,937,071 gives the same sequence; the c. name uses the placement nearest the transcript's 3' end. VCF-style (leftmost placement, unchanged base first): chr8-89937067-ATT-A. GRCh37 (hg19) VCF-style: chr8-90949295-ATT-A.
Other names: c.1945_1946del, p.Asn649fs (NM_001024688.3); c.2191_2192delAA (NM_002485.4); short protein forms N649fs, N731fs.
Identifiers: ClinVar variation 1787426 (VCV001787426.2), dbSNP rs2488169746, ClinGen allele CA2580079000.

ClinVar aggregate classification (germline): Uncertain significance (1 of 4 stars; one submission).

Conditions:
Hereditary cancer-predisposing syndrome. Also called: Neoplastic Syndromes, Hereditary; Tumor predisposition; Hereditary Cancer Syndrome; Hereditary neoplastic syndrome. Identifiers: Orphanet 140162, MedGen C0027672, MeSH D009386, MONDO:0015356.

Submission:

Ambry Genetics
Classification: Uncertain significance for Hereditary cancer-predisposing syndrome. Last evaluated: 2022-09-22. Review status: criteria provided, single submitter. Criteria: Ambry Variant Classification Scheme 2023. Collection method: clinical testing. Allele origin: germline.
Comment: The c.2191_2192delAA variant, located in coding exon 15 of the NBN gene, results from a deletion of two nucleotides at nucleotide positions 2191 to 2192, causing a translational frameshift with a predicted alternate stop codon (p.N731Sfs*10). This alteration occurs at the 3' terminus of theNBN gene, is not expected to trigger nonsense-mediated mRNAdecay, and only impacts the last 24 amino acids of the protein. The exact functional effect of this alteration is unknown. Since supporting evidence is limited at this time, the clinical significance of this alteration remains unclear.